The following is an entry in ClinVar:

NC_000012.12:g.14885985A>G

Gene: MGP (matrix Gla protein; minus strand). Cytogenetic location: 12p12.3.
Variant type: single nucleotide variant.
Genome position: GRCh38 VCF-style: chr12-14885985-A-G. GRCh37 (hg19) VCF-style: chr12-15038919-A-G.
Identifiers: ClinVar variation 1166186 (VCV001166186.10), dbSNP rs1800802, ClinGen allele CA15737887.

ClinVar aggregate classification (germline): Benign. Review status: criteria provided, multiple submitters, no conflicts (2 of 4 stars). 3 submissions from 3 submitters: Benign (3). Last evaluated 2026-01-26.

Allele frequency attached by ClinVar (database versions not stated): TOPMed 0.14693; gnomAD 0.14802; 1000 Genomes Project 30x 0.18473; 1000 Genomes Project 0.19289.

Submissions (3):

Labcorp Genetics (formerly Invitae), Labcorp
Classification: Benign. Last evaluated: 2026-01-26. Review status: criteria provided, single submitter. Criteria: Invitae Variant Classification Sherloc (09022015). Collection method: clinical testing. Allele origin: germline.

GeneDx
Classification: Benign. Last evaluated: 2018-10-16. Review status: criteria provided, single submitter. Criteria: GeneDx Variant Classification Process June 2021. Collection method: clinical testing. Allele origin: germline. Affected: yes.
Comment: This variant is associated with the following publications: (PMID: 11073842, 11425864)

Breakthrough Genomics
Classification: Benign. Review status: criteria provided, single submitter. Criteria: ACMG Guidelines, 2015. Collection method: not provided. Allele origin: germline. Inheritance: Autosomal recessive inheritance. Affected: yes.